The following is an entry in ClinVar:

ClinVar aggregate classification (germline): Uncertain significance. Review status: reviewed by expert panel (3 of 4 stars). 3 submissions from 3 submitters: Uncertain significance (1). 2 of the submissions do not count toward it. Last evaluated 2025-01-15.

Conditions:
Hereditary thrombocytopenia and hematological cancer predisposition syndrome associated with RUNX1. Also called: Familial thrombocytopenia with propensity to acute myelogenous leukemia; PLATELET DISORDER, ASPIRIN-LIKE; RUNX1 Familial Platelet Disorder with Associated Myeloid Malignancies; Familial Platelet Disorder with Propensity to Acute Myelogenous Leukemia. Identifiers: Orphanet 71290, MedGen C1832388, MeSH C563324, MONDO:0100083, OMIM 601399.
Hereditary thrombocytopenia and hematologic cancer predisposition syndrome. Identifiers: Orphanet 71290, MedGen CN281654, MONDO:0011071.
Inborn genetic diseases. Identifiers: MedGen C0950123, MeSH D030342.

Submissions (3):

ClinGen Myeloid Malignancy Variant Curation Expert Panel
Classification: Uncertain significance for Hereditary thrombocytopenia and hematologic cancer predisposition syndrome. Last evaluated: 2025-01-15. Review status: reviewed by expert panel. Criteria: ClinGen MyeloMalig ACMG Specifications v2. Collection method: curation. Allele origin: germline. Inheritance: Autosomal dominant inheritance.
Comment: NM_001754.5(RUNX1):c.1150C>T (p.Pro384Ser) is a missense variant which is completely absent from all population databases with at least 20x coverage for RUNX1 (PM2_Supporting). In summary, the clinical significance of this variant is uncertain. ACMG/AMP criteria applied, as specified by the Myeloid Malignancy Variant Curation Expert Panel for RUNX1: PM2_Supporting.

Ambry Genetics
Classification: Uncertain significance for Inborn genetic diseases. Last evaluated: 2025-08-14. Review status: criteria provided, single submitter. Criteria: Ambry Variant Classification Scheme 2023. Collection method: clinical testing. Allele origin: germline. Not counted in ClinVar's aggregate classification.
Comment: The p.P384S variant (also known as c.1150C>T), located in coding exon 8 of the RUNX1 gene, results from a C to T substitution at nucleotide position 1150. The proline at codon 384 is replaced by serine, an amino acid with similar properties. This amino acid position is conserved. In addition, this alteration is predicted to be deleterious by in silico analysis. Based on the available evidence, the clinical significance of this variant remains unclear.

Labcorp Genetics (formerly Invitae), Labcorp
Classification: Uncertain significance for Hereditary thrombocytopenia and hematological cancer predisposition syndrome associated with RUNX1. Last evaluated: 2021-12-09. Review status: criteria provided, single submitter. Criteria: Invitae Variant Classification Sherloc (09022015). Collection method: clinical testing. Allele origin: germline. Not counted in ClinVar's aggregate classification.
Comment: This sequence change replaces proline, which is neutral and non-polar, with serine, which is neutral and polar, at codon 384 of the RUNX1 protein (p.Pro384Ser). This variant is not present in population databases (gnomAD no frequency). This variant has not been reported in the literature in individuals affected with RUNX1-related conditions. ClinVar contains an entry for this variant (Variation ID: 1019366). Algorithms developed to predict the effect of missense changes on protein structure and function are either unavailable or do not agree on the potential impact of this missense change (SIFT: "Tolerated"; PolyPhen-2: "Possibly Damaging"; Align-GVGD: "Class C15"). In summary, the available evidence is currently insufficient to determine the role of this variant in disease. Therefore, it has been classified as a Variant of Uncertain Significance.

NM_001754.5(RUNX1):c.1150C>T (p.Pro384Ser)

Gene: RUNX1 (RUNX family transcription factor 1; minus strand). Cytogenetic location: 21q22.12.
Variant type: single nucleotide variant.
Coding change: c.1150C>T on transcript NM_001754.5 (MANE Select); coding-DNA position 1150, C replaced by T.
Protein change: p.Pro384Ser; replaces proline 384 with serine.
Molecular consequence: missense variant.
Genome position (GRCh38, 1-based): chr21:34,792,428, G>A on the plus strand (C>T on the coding strand, the complement: RUNX1 is on the minus strand). VCF-style: chr21-34792428-G-A. GRCh37 (hg19) VCF-style: chr21-36164725-G-A.
Other names: NM_001754.5(RUNX1):c.1150C>T; p.Pro384Ser; c.1069C>T, p.Pro357Ser (NM_001001890.3); c.1150C>T (NM_001754.4); short protein forms P357S, P384S.
Identifiers: ClinVar variation 1019366 (VCV001019366.9), dbSNP rs2056456531, ClinGen allele CA410147948.